The following is an entry in ClinVar:

NM_138576.4(BCL11B):c.885G>C (p.Thr295=)

Gene: BCL11B (BCL11 transcription factor B; minus strand). Cytogenetic location: 14q32.2.
Variant type: single nucleotide variant.
Coding change: c.885G>C on transcript NM_138576.4 (MANE Select); coding-DNA position 885, G replaced by C.
Protein change: p.Thr295=; no amino-acid change (threonine 295 retained).
Molecular consequence: synonymous variant.
Genome position (GRCh38, 1-based): chr14:99,175,951, C>G on the plus strand (G>C on the coding strand, the complement: BCL11B is on the minus strand). VCF-style: chr14-99175951-C-G. GRCh37 (hg19) VCF-style: chr14-99642288-C-G.
Other names: c.882G>C, p.Thr294= (NM_001282237.2); c.669G>C, p.Thr223= (NM_001282238.2); c.672G>C, p.Thr224= (NM_022898.3); c.672G>C (NM_022898.2).
Identifiers: ClinVar variation 1091388 (VCV001091388.12), dbSNP rs200618487, ClinGen allele CA7339775.
Genomic context (GRCh38, chr14:99,175,951, plus strand): 5'-AGGCGGCGTGCCCGGCAGGCGGCCCTCGCCGAAGCCCGGGTGGTCCCGCAGGATGGGGCC[C>G]GTCATGCGCAGCAGGTTGAAGGGGTTGCTGTCGCCCAGGAAATTCATGAGCGGGGACTGC-3'
Protein context (NP_612808.1, residues 285-305): DSNPFNLLRM[Thr295=]GPILRDHPGF

ClinVar aggregate classification (germline): Likely benign. Review status: criteria provided, multiple submitters, no conflicts (2 of 4 stars). 3 submissions from 3 submitters: Likely benign (2). 1 of the submissions does not count toward it. Last evaluated 2025-09-10.

Conditions:
BCL11B-related disorder. Also called: BCL11B-Related Disorders.

Allele frequency attached by ClinVar (database versions not stated): 1000 Genomes Project 30x 0.00078; 1000 Genomes Project 0.00100.
gnomAD v4.1: 248 of 1,458,792 alleles (0.017%); highest among the groups gnomAD compares: East Asian, 0.59%; 1 homozygote.

Submissions (3):

Labcorp Genetics (formerly Invitae), Labcorp
Classification: Likely benign. Last evaluated: 2025-09-10. Review status: criteria provided, single submitter. Criteria: Invitae Variant Classification Sherloc (09022015). Collection method: clinical testing. Allele origin: germline.

Blueprint Genetics
Classification: Likely benign. Last evaluated: 2024-10-15. Review status: criteria provided, single submitter. Criteria: ACMG Guidelines, 2015. Collection method: clinical testing. Allele origin: germline.

PreventionGenetics, part of Exact Sciences
Classification: Benign for BCL11B-related condition. Last evaluated: 2019-06-17. Review status: no assertion criteria provided. Collection method: clinical testing. Allele origin: germline. Not counted in ClinVar's aggregate classification.
Comment: This variant is classified as benign based on ACMG/AMP sequence variant interpretation guidelines (Richards et al. 2015 PMID: 25741868, with internal and published modifications).